The following is an entry in ClinVar:

ClinVar aggregate classification (germline): Uncertain significance (1 of 4 stars; one submission).

Conditions:
Leukocyte adhesion deficiency 3. Also called: INTEGRIN ACTIVATION DEFICIENCY DISEASE; LEUKOCYTE ADHESION DEFICIENCY 1 VARIANT; Leukocyte adhesion deficiency, type III. Identifiers: Orphanet 2968, Orphanet 99844, MedGen C2748536, MONDO:0013016, OMIM 612840.

Allele frequency attached by ClinVar (database versions not stated): TOPMed 0.00001; ExAC 0.00002; gnomAD exomes 0.00002; gnomAD 0.00004; 1000 Genomes Project 30x 0.00031; 1000 Genomes Project 0.00040.
gnomAD v4.1: 28 of 1,611,102 alleles (0.0017%); highest among the groups gnomAD compares: Admixed American, 0.0084%; no homozygotes.

Submission:

Labcorp Genetics (formerly Invitae), Labcorp
Classification: Uncertain significance for Leukocyte adhesion deficiency 3. Last evaluated: 2021-12-30. Review status: criteria provided, single submitter. Criteria: Invitae Variant Classification Sherloc (09022015). Collection method: clinical testing. Allele origin: germline.
Comment: This sequence change replaces glutamic acid, which is acidic and polar, with lysine, which is basic and polar, at codon 495 of the FERMT3 protein (p.Glu495Lys). This variant is present in population databases (rs199681648, gnomAD 0.006%). This variant has not been reported in the literature in individuals affected with FERMT3-related conditions. Algorithms developed to predict the effect of missense changes on protein structure and function (SIFT, PolyPhen-2, Align-GVGD) all suggest that this variant is likely to be tolerated. In summary, the available evidence is currently insufficient to determine the role of this variant in disease. Therefore, it has been classified as a Variant of Uncertain Significance.

NM_031471.6(FERMT3):c.1483G>A (p.Glu495Lys)

Gene: FERMT3 (FERM domain containing kindlin 3; plus strand). Cytogenetic location: 11q13.1.
Variant type: single nucleotide variant.
Coding change: c.1483G>A on transcript NM_031471.6 (MANE Select); coding-DNA position 1483, G replaced by A.
Protein change: p.Glu495Lys; replaces glutamic acid 495 with lysine.
Molecular consequence: missense variant.
Genome position (GRCh38, 1-based): chr11:64,220,607, G>A. VCF-style: chr11-64220607-G-A. GRCh37 (hg19) VCF-style: chr11-63988079-G-A.
Other names: c.1483G>A, p.Glu495Lys (NM_001382361.1, NM_001382448.1); c.1495G>A, p.Glu499Lys (NM_001382362.1, NM_178443.3); c.943G>A, p.Glu315Lys (NM_001382363.1); c.955G>A, p.Glu319Lys (NM_001382364.1); short protein forms E499K, E315K, E319K, E495K.
Identifiers: ClinVar variation 2157060 (VCV002157060.1), dbSNP rs199681648, ClinGen allele CA6069175.
Genomic context (GRCh38, chr11:64,220,607, plus strand): 5'-CTGCAGCGCACGGGCAGTGGGGGCCCGGGCAACCACCCCCACGGCCCTGATGCCTCTGCC[G>A]AGGGCCTCAACCCCTACGGCCTCGTTGCCCCCCGTTTCCAGCGAAAGTTCAAGGCCAAGC-3'
Protein context (NP_113659.3, residues 485-505): NHPHGPDASA[Glu495Lys]GLNPYGLVAP